The following is an entry in ClinVar:

NM_030973.4(MED25):c.1095G>A (p.Pro365=)

Gene: MED25 (mediator complex subunit 25; plus strand). Cytogenetic location: 19q13.33.
Variant type: single nucleotide variant.
Coding change: c.1095G>A on transcript NM_030973.4 (MANE Select); coding-DNA position 1095, G replaced by A.
Protein change: p.Pro365=; no amino-acid change (proline 365 retained).
Molecular consequence: synonymous variant.
Genome position (GRCh38, 1-based): chr19:49,830,881, G>A. VCF-style: chr19-49830881-G-A. GRCh37 (hg19) VCF-style: chr19-50334138-G-A.
Other names: c.1095G>A, p.Pro365= (NM_001378355.1).
Identifiers: ClinVar variation 700645 (VCV000700645.44), dbSNP rs373128874, ClinGen allele CA9585131.

ClinVar aggregate classification (germline): Likely benign. Review status: criteria provided, multiple submitters, no conflicts (2 of 4 stars). 3 submissions from 3 submitters: Likely benign (3). Last evaluated 2025-11-04.

Conditions:
Charcot-Marie-Tooth disease type 2. Also called: Charcot-Marie-Tooth type 2. Identifiers: Orphanet 64746, MedGen C0270914, MONDO:0018993.

Allele frequency attached by ClinVar (database versions not stated): ESP Exome Variant Server 0.00008; TOPMed 0.00009; gnomAD exomes 0.00013 and 0.00026; gnomAD 0.00015 and 0.00017; ExAC 0.00024.
gnomAD v4.1: 208 of 1,606,048 alleles (0.013%); highest among the groups gnomAD compares: East Asian, 0.011%; 1 homozygote.

Submissions (3):

Labcorp Genetics (formerly Invitae), Labcorp
Classification: Likely benign for Charcot-Marie-Tooth disease type 2. Last evaluated: 2025-11-04. Review status: criteria provided, single submitter. Criteria: Invitae Variant Classification Sherloc (09022015). Collection method: clinical testing. Allele origin: germline.

Blueprint Genetics
Classification: Likely benign. Last evaluated: 2024-11-18. Review status: criteria provided, single submitter. Criteria: ACMG Guidelines, 2015. Collection method: clinical testing. Allele origin: germline.

CeGaT Center for Human Genetics Tuebingen
Classification: Likely benign. Last evaluated: 2024-05-01. Review status: criteria provided, single submitter. Criteria: CeGaT Center For Human Genetics Tuebingen Variant Classification Criteria Version 2. Collection method: clinical testing. Allele origin: germline. Affected: yes. Observed: 6 variant alleles.
Comment: MED25: BP4, BP7